The following is an entry in ClinVar:

NM_000535.7(PMS2):c.1110A>C (p.Leu370=)

Gene: PMS2 (PMS1 homolog 2, mismatch repair system component; minus strand). Cytogenetic location: 7p22.1.
Variant type: single nucleotide variant.
Coding change: c.1110A>C on transcript NM_000535.7 (MANE Select); coding-DNA position 1110, A replaced by C.
Protein change: p.Leu370=; no amino-acid change (leucine 370 retained).
Molecular consequence: synonymous variant. On other transcripts: non-coding transcript variant (1), intron variant (10).
Genome position (GRCh38, 1-based): chr7:5,989,834, T>G on the plus strand (A>C on the coding strand, the complement: PMS2 is on the minus strand). VCF-style: chr7-5989834-T-G. GRCh37 (hg19) VCF-style: chr7-6029465-T-G.
Other names: c.705A>C, p.Leu235= (NM_001018040.1, NM_001322003.2, NM_001322004.2 and 17 more transcripts); c.792A>C, p.Leu264= (NM_001322007.2, NM_001322008.2, NM_001406876.1 and 2 more transcripts); c.177A>C, p.Leu59= (NM_001322011.2, NM_001322012.2); c.537A>C, p.Leu179= (NM_001322013.2, NM_001406909.1); c.1110A>C, p.Leu370= (NM_001322014.2, NM_001406871.1, NM_001406872.1); c.801A>C, p.Leu267= (NM_001322015.2, NM_001406875.1, NM_001406877.1 and 5 more transcripts); c.1296A>C, p.Leu432= (NM_001406866.1); c.1134A>C, p.Leu378= (NM_001406868.1); and 13 more.
Identifiers: ClinVar variation 1794926 (VCV001794926.3), dbSNP rs1554298681, ClinGen allele CA453644090.

ClinVar aggregate classification (germline): Benign/Likely benign. Review status: criteria provided, multiple submitters, no conflicts (2 of 4 stars). 2 submissions from 2 submitters: Benign (1); Likely benign (1). Last evaluated 2025-01-29.

Conditions:
Hereditary cancer-predisposing syndrome. Also called: Tumor predisposition; Hereditary Cancer Syndrome; Neoplastic Syndromes, Hereditary; Hereditary neoplastic syndrome. Identifiers: Orphanet 140162, MedGen C0027672, MeSH D009386, MONDO:0015356.
Lynch syndrome 4 (LYNCH4). Also called: Colorectal cancer, hereditary nonpolyposis, type 4; Hereditary non-polyposis colorectal cancer, type 4. Identifiers: Orphanet 144, MedGen C1838333, MONDO:0013699, OMIM 614337. Disease mechanism: loss of function.

Submissions (2):

Myriad Genetics, Inc.
Classification: Benign for Lynch syndrome 4. Last evaluated: 2025-01-29. Review status: criteria provided, single submitter. Criteria: Myriad Autosomal Dominant, Autosomal Recessive and X-Linked Classification Criteria (2023). Collection method: clinical testing. Allele origin: unknown.
Comment: This variant is considered benign. This variant is a silent/synonymous amino acid change and it is not expected to impact splicing.

Ambry Genetics
Classification: Likely benign for Hereditary cancer-predisposing syndrome. Last evaluated: 2021-01-18. Review status: criteria provided, single submitter. Criteria: Ambry Variant Classification Scheme 2023. Collection method: clinical testing. Allele origin: germline.